The following is an entry in ClinVar:

NM_000732.6(CD3D):c.406+34GT[15]

Gene: CD3D (CD3 delta subunit of T-cell receptor complex; minus strand). Cytogenetic location: 11q23.3.
Variant type: Microsatellite.
Coding change: c.406+34GT[15] on transcript NM_000732.6 (MANE Select); 15 copies in a row of the 2-base unit GT starting at c.406+34; the reference has 16 copies in a row; one copy, 2 bases deleted.
Molecular consequence: intron variant.
Genome position (GRCh38, 1-based): chr11:118,339,710-118,339,711, AC deleted on the plus strand (GT on the coding strand, the reverse complement: CD3D is on the minus strand); deleting any 2 consecutive bases within chr11:118,339,710-118,339,742 gives the same sequence; the position shown is the placement nearest the transcript's 3' end. VCF-style (leftmost placement, unchanged base first): chr11-118339709-TAC-T. GRCh37 (hg19) VCF-style: chr11-118210424-TAC-T.
Other names: c.275-247GT[15] (NM_001040651.2).
Identifiers: ClinVar variation 1257778 (VCV001257778.4), dbSNP rs67065773, ClinGen allele CA229522238.

ClinVar aggregate classification (germline): Benign. Review status: criteria provided, multiple submitters, no conflicts (2 of 4 stars). 2 submissions from 2 submitters: Benign (2). Last evaluated 2024-01-24.

Submissions (2):

Unidad de Genómica Garrahan, Hospital de Pediatría Garrahan
Classification: Benign. Last evaluated: 2024-01-24. Review status: criteria provided, single submitter. Criteria: ACMG Guidelines, 2015. Collection method: clinical testing. Allele origin: germline. Affected: no. Observed: 21 variant alleles.
Comment: This variant is classified as Benign based on local population frequency. This variant was detected in 22% of patients studied by a panel of primary immunodeficiencies. Number of patients: 21. Only high quality variants are reported.

GeneDx
Classification: Benign. Last evaluated: 2019-08-10. Review status: criteria provided, single submitter. Criteria: GeneDx Variant Classification Process June 2021. Collection method: clinical testing. Allele origin: germline. Affected: yes.